The following is an entry in ClinVar:

ClinVar aggregate classification (germline): Uncertain significance (1 of 4 stars; one submission).

gnomAD v4.1: 1 of 1,614,050 alleles (0.000062%); highest among the groups gnomAD compares: Non-Finnish European, 0.000085%; no homozygotes.

Submission:

Labcorp Genetics (formerly Invitae), Labcorp
Classification: Uncertain significance. Last evaluated: 2024-07-18. Review status: criteria provided, single submitter. Criteria: Invitae Variant Classification Sherloc (09022015). Collection method: clinical testing. Allele origin: germline.
Comment: This sequence change replaces alanine, which is neutral and non-polar, with valine, which is neutral and non-polar, at codon 1036 of the NSD1 protein (p.Ala1036Val). This variant is not present in population databases (gnomAD no frequency). This variant has not been reported in the literature in individuals affected with NSD1-related conditions. Advanced modeling of protein sequence and biophysical properties (such as structural, functional, and spatial information, amino acid conservation, physicochemical variation, residue mobility, and thermodynamic stability) performed at Invitae indicates that this missense variant is not expected to disrupt NSD1 protein function with a negative predictive value of 95%. In summary, the available evidence is currently insufficient to determine the role of this variant in disease. Therefore, it has been classified as a Variant of Uncertain Significance.

NM_022455.5(NSD1):c.3107C>T (p.Ala1036Val)

Gene: NSD1 (nuclear receptor binding SET domain protein 1; plus strand). Cytogenetic location: 5q35.3.
Variant type: single nucleotide variant.
Coding change: c.3107C>T on transcript NM_022455.5 (MANE Select); coding-DNA position 3107, C replaced by T.
Protein change: p.Ala1036Val; replaces alanine 1036 with valine.
Molecular consequence: missense variant.
Genome position (GRCh38, 1-based): chr5:177,211,506, C>T. VCF-style: chr5-177211506-C-T. GRCh37 (hg19) VCF-style: chr5-176638507-C-T.
Other names: c.2234C>T, p.Ala745Val (NM_001409307.1, NM_001409308.1, NM_001409309.1 and 3 more transcripts); c.3107C>T, p.Ala1036Val (NM_001409301.1, NM_001409302.1, NM_001409303.1); c.2687C>T, p.Ala896Val (NM_001409304.1); c.2354C>T, p.Ala785Val (NM_001409305.1); short protein forms A745V, A1036V, A785V, A896V.
Identifiers: ClinVar variation 3635576 (VCV003635576.2).